The following is an entry in ClinVar:

NM_015559.3(SETBP1):c.821G>A (p.Trp274Ter)

Gene: SETBP1 (SET binding protein 1; plus strand). Cytogenetic location: 18q12.3.
Variant type: single nucleotide variant.
Coding change: c.821G>A on transcript NM_015559.3 (MANE Select); coding-DNA position 821, G replaced by A.
Protein change: p.Trp274Ter; replaces tryptophan 274 with a stop codon.
Molecular consequence: nonsense.
Genome position (GRCh38, 1-based): chr18:44,950,161, G>A. VCF-style: chr18-44950161-G-A. GRCh37 (hg19) VCF-style: chr18-42530126-G-A.
Other names: c.821G>A, p.Trp274Ter (LRG_1150t1); short protein forms W274*.
Identifiers: ClinVar variation 489124 (VCV000489124.8), dbSNP rs1555705966, ClinGen allele CA402316903.

ClinVar aggregate classification (germline): Pathogenic. Review status: criteria provided, multiple submitters, no conflicts (2 of 4 stars). 2 submissions from 2 submitters: Pathogenic (2). Last evaluated 2024-06-11.

Conditions:
Intellectual developmental disorder, autosomal dominant 29. Also called: SETBP1 Haploinsufficiency Disorder; Intellectual disability, autosomal dominant 29. Identifiers: Orphanet 436151, MedGen C4015141, MONDO:0014482, OMIM 616078.

Submissions (2):

GeneDx
Classification: Pathogenic. Last evaluated: 2024-06-11. Review status: criteria provided, single submitter. Criteria: GeneDx Variant Classification Process June 2021. Collection method: clinical testing. Allele origin: germline. Affected: yes.
Comment: Nonsense variant predicted to result in protein truncation or nonsense mediated decay in a gene for which loss of function is a known mechanism of disease; Not observed at significant frequency in large population cohorts (gnomAD); This variant is associated with the following publications: (PMID: 33907317, Oyler_2024_PrePrint, 33867525)

Labcorp Genetics (formerly Invitae), Labcorp
Classification: Pathogenic. Last evaluated: 2023-01-03. Review status: criteria provided, single submitter. Criteria: Invitae Variant Classification Sherloc (09022015). Collection method: clinical testing. Allele origin: germline.
Comment: ClinVar contains an entry for this variant (Variation ID: 489124). This premature translational stop signal has been observed in individual(s) with clinical features of SETBP1-related intellectual disability syndrome (PMID: 33867525, 33907317). In at least one individual the variant was observed to be de novo. This variant is not present in population databases (gnomAD no frequency). This sequence change creates a premature translational stop signal (p.Trp274*) in the SETBP1 gene. It is expected to result in an absent or disrupted protein product. Loss-of-function variants in SETBP1 are known to be pathogenic (PMID: 21037274, 25217958). For these reasons, this variant has been classified as Pathogenic.

Literature cited by the submitters: PubMed 33867525 (cited by Labcorp Genetics (formerly Invitae), Labcorp); PubMed 33907317 (cited by Labcorp Genetics (formerly Invitae), Labcorp); PubMed 21037274 (cited by Labcorp Genetics (formerly Invitae), Labcorp); PubMed 25217958 (cited by Labcorp Genetics (formerly Invitae), Labcorp).